The following is an entry in ClinVar:

NM_014714.4(IFT140):c.3901G>A (p.Asp1301Asn)

Gene: IFT140 (intraflagellar transport 140; minus strand). Cytogenetic location: 16p13.3.
Variant type: single nucleotide variant.
Coding change: c.3901G>A on transcript NM_014714.4 (MANE Select); coding-DNA position 3901, G replaced by A.
Protein change: p.Asp1301Asn; replaces aspartic acid 1301 with asparagine.
Molecular consequence: missense variant.
Genome position (GRCh38, 1-based): chr16:1,520,020, C>T on the plus strand (G>A on the coding strand, the complement: IFT140 is on the minus strand). VCF-style: chr16-1520020-C-T. GRCh37 (hg19) VCF-style: chr16-1570021-C-T.
Other names: short protein forms D1301N.
Identifiers: ClinVar variation 4737342 (VCV004737342.2).

ClinVar aggregate classification (germline): Uncertain significance. Review status: criteria provided, multiple submitters, no conflicts (2 of 4 stars). 2 submissions from 2 submitters: Uncertain significance (2). Last evaluated 2025-07-11.

Conditions:
Saldino-Mainzer syndrome (SRTD9). Also called: CONORENAL SYNDROME; Renal dysplasia, retinal pigmentary dystrophy, cerebellar ataxia and skeletal dysplasia; SHORT-RIB THORACIC DYSPLASIA 9 WITHOUT POLYDACTYLY; short-rib thoracic dysplasia 9 with or without polydactyly. Identifiers: Orphanet 140969, MedGen C1849437, MONDO:0009964, OMIM 266920.

gnomAD v4.1: 12 of 1,600,952 alleles (0.00075%); highest among the groups gnomAD compares: East Asian, 0.0067%; no homozygotes.

Submissions (2):

Labcorp Genetics (formerly Invitae), Labcorp
Classification: Uncertain significance for Saldino-Mainzer syndrome. Last evaluated: 2025-07-11. Review status: criteria provided, single submitter. Criteria: Invitae Variant Classification Sherloc (09022015). Collection method: clinical testing. Allele origin: germline.
Comment: This sequence change replaces aspartic acid, which is acidic and polar, with asparagine, which is neutral and polar, at codon 1301 of the IFT140 protein (p.Asp1301Asn). This variant is present in population databases (rs754625031, gnomAD 0.009%). This variant has not been reported in the literature in individuals affected with IFT140-related conditions. Invitae Evidence Modeling of protein sequence and biophysical properties (such as structural, functional, and spatial information, amino acid conservation, physicochemical variation, residue mobility, and thermodynamic stability) indicates that this missense variant is not expected to disrupt IFT140 protein function with a negative predictive value of 95%. In summary, the available evidence is currently insufficient to determine the role of this variant in disease. Therefore, it has been classified as a Variant of Uncertain Significance.

Blueprint Genetics
Classification: Uncertain significance. Last evaluated: 2023-09-12. Review status: criteria provided, single submitter. Criteria: ACMG Guidelines, 2015. Collection method: clinical testing. Allele origin: germline.